The following is an entry in ClinVar:

NM_004360.5(CDH1):c.1609C>T (p.Pro537Ser)

Gene: CDH1 (cadherin 1; plus strand). Cytogenetic location: 16q22.1.
Variant type: single nucleotide variant.
Coding change: c.1609C>T on transcript NM_004360.5 (MANE Select); coding-DNA position 1609, C replaced by T.
Protein change: p.Pro537Ser; replaces proline 537 with serine.
Molecular consequence: missense variant. On other transcripts: intron variant (1).
Genome position (GRCh38, 1-based): chr16:68,819,323, C>T. VCF-style: chr16-68819323-C-T. GRCh37 (hg19) VCF-style: chr16-68853226-C-T.
Other names: c.1426C>T, p.Pro476Ser (NM_001317184.2); c.61C>T, p.Pro21Ser (NM_001317185.2); c.-254-2678C>T (NM_001317186.2); short protein forms P21S, P476S, P537S.
Identifiers: ClinVar variation 843208 (VCV000843208.10), dbSNP rs1961074729, ClinGen allele CA396465045.
Genomic context (GRCh38, chr16:68,819,323, plus strand): 5'-AGCTTGTCCCCGTTCAGATATCGGATTTGGAGAGACACTGCCAACTGGCTGGAGATTAAT[C>T]CGGACACTGGTGCCATTTCCACTCGGGCTGAGCTGGACAGGGAGGATTTTGAGCACGTGA-3'
Protein context (NP_004351.1, residues 527-547): RDTANWLEIN[Pro537Ser]DTGAISTRAE

ClinVar aggregate classification (germline): Uncertain significance (1 of 4 stars; one submission).

Conditions:
Hereditary diffuse gastric adenocarcinoma (HDGC). Also called: DIFFUSE GASTRIC AND LOBULAR BREAST CANCER SYNDROME. Identifiers: Orphanet 26106, MedGen C1708349, MONDO:0007648, OMIM 137215.

Allele frequency attached by ClinVar (database versions not stated): gnomAD exomes below 0.00001.
gnomAD v4.1: 1 of 1,614,134 alleles (0.000062%); highest among the groups gnomAD compares: South Asian, 0.0011%; no homozygotes.

Submission:

Labcorp Genetics (formerly Invitae), Labcorp
Classification: Uncertain significance for Hereditary diffuse gastric adenocarcinoma. Last evaluated: 2023-10-03. Review status: criteria provided, single submitter. Criteria: Invitae Variant Classification Sherloc (09022015). Collection method: clinical testing. Allele origin: germline.
Comment: This sequence change replaces proline, which is neutral and non-polar, with serine, which is neutral and polar, at codon 537 of the CDH1 protein (p.Pro537Ser). This variant is not present in population databases (gnomAD no frequency). This variant has not been reported in the literature in individuals affected with CDH1-related conditions. ClinVar contains an entry for this variant (Variation ID: 843208). Algorithms developed to predict the effect of missense changes on protein structure and function output the following: SIFT: "Not Available"; PolyPhen-2: "Benign"; Align-GVGD: "Not Available". The serine amino acid residue is found in multiple mammalian species, which suggests that this missense change does not adversely affect protein function. In summary, the available evidence is currently insufficient to determine the role of this variant in disease. Therefore, it has been classified as a Variant of Uncertain Significance.